The following is an entry in ClinVar:

NM_001122752.2(SERPINI1):c.1071G>A (p.Met357Ile)

Gene: SERPINI1 (serpin family I member 1; plus strand). Cytogenetic location: 3q26.1.
Variant type: single nucleotide variant.
Coding change: c.1071G>A on transcript NM_001122752.2 (MANE Select); coding-DNA position 1071, G replaced by A.
Protein change: p.Met357Ile; replaces methionine 357 with isoleucine.
Molecular consequence: missense variant.
Genome position (GRCh38, 1-based): chr3:167,824,477, G>A. VCF-style: chr3-167824477-G-A. GRCh37 (hg19) VCF-style: chr3-167542265-G-A.
Other names: c.1071G>A, p.Met357Ile (NM_005025.5); short protein forms M357I.
Identifiers: ClinVar variation 1396532 (VCV001396532.6), dbSNP rs1168773849, ClinGen allele CA355157795.
Genomic context (GRCh38, chr3:167,824,477, plus strand): 5'-ACTCATTAGTCTCTGCACATCCACAGACATATAATTACTTTTTATCTGCACTGTAGGAAT[G>A]ATTGCAATTAGTAGGATGGCTGTGCTGTATCCTCAAGTTATTGTCGACCATCCATTTTTC-3'
Protein context (NP_001116224.1, residues 347-367): EGSEAAAVSG[Met357Ile]IAISRMAVLY

ClinVar aggregate classification (germline): Uncertain significance (1 of 4 stars; one submission).

Conditions:
Familial encephalopathy with neuroserpin inclusion bodies. Also called: ENCEPHALOPATHY, FAMILIAL, WITH COLLINS BODIES. Identifiers: Orphanet 85110, MedGen C1858680, MONDO:0011412, OMIM 604218.

Allele frequency attached by ClinVar (database versions not stated): gnomAD 0.00001.
gnomAD v4.1: 2 of 1,612,316 alleles (0.00012%); highest among the groups gnomAD compares: South Asian, 0.0022%; no homozygotes.

Submission:

Labcorp Genetics (formerly Invitae), Labcorp
Classification: Uncertain significance for Familial encephalopathy with neuroserpin inclusion bodies. Last evaluated: 2021-12-08. Review status: criteria provided, single submitter. Criteria: Invitae Variant Classification Sherloc (09022015). Collection method: clinical testing. Allele origin: germline.
Comment: This sequence change replaces methionine, which is neutral and non-polar, with isoleucine, which is neutral and non-polar, at codon 357 of the SERPINI1 protein (p.Met357Ile). This variant is present in population databases (no rsID available, gnomAD 0.003%). In summary, the available evidence is currently insufficient to determine the role of this variant in disease. Therefore, it has been classified as a Variant of Uncertain Significance. Advanced modeling of protein sequence and biophysical properties (such as structural, functional, and spatial information, amino acid conservation, physicochemical variation, residue mobility, and thermodynamic stability) performed at Invitae indicates that this missense variant is not expected to disrupt SERPINI1 protein function. This variant has not been reported in the literature in individuals affected with SERPINI1-related conditions.